The following is an entry in ClinVar:

ClinVar aggregate classification (germline): Pathogenic (1 of 4 stars; one submission).

Submission:

Labcorp Genetics (formerly Invitae), Labcorp
Classification: Pathogenic. Last evaluated: 2023-02-16. Review status: criteria provided, single submitter. Criteria: Invitae Variant Classification Sherloc (09022015). Collection method: clinical testing. Allele origin: germline.
Comment: For these reasons, this variant has been classified as Pathogenic. This sequence change creates a premature translational stop signal (p.Lys299Thrfs*59) in the ATP2B2 gene. It is expected to result in an absent or disrupted protein product. Loss-of-function variants in ATP2B2 are known to be pathogenic (PMID: 30535804). This variant is not present in population databases (gnomAD no frequency). This variant has not been reported in the literature in individuals affected with ATP2B2-related conditions.

Literature cited by the submitters: PubMed 30535804.

NM_001001331.4(ATP2B2):c.896_899del (p.Lys299fs)

Gene: ATP2B2 (ATPase plasma membrane Ca2+ transporting 2; minus strand). Cytogenetic location: 3p25.3.
Variant type: Microsatellite.
Coding change: c.896_899del on transcript NM_001001331.4 (MANE Select); coding-DNA positions 896 to 899, 4 bases deleted (AAGA; older notation c.896_899delAAGA).
Protein change: p.Lys299fs; shifts the reading frame from lysine 299.
Molecular consequence: frameshift variant.
Genome position (GRCh38, 1-based): chr3:10,388,285-10,388,288, TCTT deleted on the plus strand (AAGA on the coding strand, the reverse complement: ATP2B2 is on the minus strand); deleting any 4 consecutive bases within chr3:10,388,285-10,388,292 gives the same sequence; the c. name uses the placement nearest the transcript's 3' end. VCF-style (leftmost placement, unchanged base first): chr3-10388284-GTCTT-G. GRCh37 (hg19) VCF-style: chr3-10429968-GTCTT-G.
Other names: c.896_899del, p.Lys299fs (NM_001330611.3, NM_001353564.1, NM_001363862.1 and 1 more transcripts); short protein forms K299fs.
Identifiers: ClinVar variation 2976958 (VCV002976958.3), dbSNP rs2061743269, ClinGen allele CA1345198912.